The following is an entry in ClinVar:

ClinVar aggregate classification (germline): Pathogenic. Review status: criteria provided, multiple submitters, no conflicts (2 of 4 stars). 2 submissions from 2 submitters: Pathogenic (2). Last evaluated 2024-01-17.

Conditions:
Ataxia-telangiectasia syndrome (AT). Also called: LOUIS-BAR SYNDROME; Ataxia telangiectasia (A-T); Cerebello-oculocutaneous telangiectasia; Immunodeficiency with ataxia telangiectasia; ATAXIA-TELANGIECTASIA, COMPLEMENTATION GROUP A; ATAXIA-TELANGIECTASIA, FRESNO VARIANT. Identifiers: Orphanet 100, MedGen C0004135, MONDO:0008840, OMIM 208900.
Familial cancer of breast. Also called: Hereditary breast cancer; hereditary breast carcinoma; BREAST CANCER, FAMILIAL. Identifiers: Orphanet 227535, MedGen C0346153, MONDO:0016419, OMIM 114480. Disease mechanism: loss of function.

Submissions (2):

Myriad Genetics, Inc.
Classification: Pathogenic for Familial cancer of breast. Last evaluated: 2024-01-17. Review status: criteria provided, single submitter. Criteria: Myriad Autosomal Dominant, Autosomal Recessive and X-Linked Classification Criteria (2023). Collection method: clinical testing. Allele origin: unknown.
Comment: This variant is considered pathogenic. This variant creates a frameshift predicted to result in premature protein truncation.

Labcorp Genetics (formerly Invitae), Labcorp
Classification: Pathogenic for Ataxia-telangiectasia syndrome. Last evaluated: 2022-08-22. Review status: criteria provided, single submitter. Criteria: Invitae Variant Classification Sherloc (09022015). Collection method: clinical testing. Allele origin: germline.
Comment: This sequence change creates a premature translational stop signal (p.Met660Trpfs*4) in the ATM gene. It is expected to result in an absent or disrupted protein product. Loss-of-function variants in ATM are known to be pathogenic (PMID: 23807571, 25614872). This variant is not present in population databases (gnomAD no frequency). This premature translational stop signal has been observed in individual(s) with pancreatic cancer (PMID: 26658419). Algorithms developed to predict the effect of sequence changes on RNA splicing suggest that this variant may create or strengthen a splice site. For these reasons, this variant has been classified as Pathogenic.

Literature cited by the submitters: PubMed 23807571 (cited by Labcorp Genetics (formerly Invitae), Labcorp); PubMed 25614872 (cited by Labcorp Genetics (formerly Invitae), Labcorp); PubMed 26658419 (cited by Labcorp Genetics (formerly Invitae), Labcorp).

NM_000051.4(ATM):c.1978del (p.Met660fs)

Gene: ATM (ATM serine/threonine kinase; plus strand). Cytogenetic location: 11q22.3.
Variant type: Deletion.
Coding change: c.1978del on transcript NM_000051.4 (MANE Select); coding-DNA position 1978, one base deleted (A; older notation c.1978delA).
Protein change: p.Met660fs; shifts the reading frame from methionine 660.
Molecular consequence: frameshift variant.
Genome position (GRCh38, 1-based): chr11:108,253,893, A deleted. VCF-style (leftmost placement, unchanged base first): chr11-108253892-GA-G. GRCh37 (hg19) VCF-style: chr11-108124619-GA-G.
Other names: c.1978del, p.Met660fs (NM_001351834.2); short protein forms M660fs.
Identifiers: ClinVar variation 2137238 (VCV002137238.5), dbSNP rs2497312887, ClinGen allele CA2580083817.